The following is an entry in ClinVar:

ClinVar aggregate classification (germline): Uncertain significance (1 of 4 stars; one submission).

gnomAD v4.1: 3 of 1,608,460 alleles (0.00019%); highest among the groups gnomAD compares: Admixed American, 0.0017%; no homozygotes.

Submission:

Labcorp Genetics (formerly Invitae), Labcorp
Classification: Uncertain significance. Last evaluated: 2025-11-26. Review status: criteria provided, single submitter. Criteria: Invitae Variant Classification Sherloc (09022015). Collection method: clinical testing. Allele origin: germline.
Comment: This sequence change replaces arginine, which is basic and polar, with glutamine, which is neutral and polar, at codon 607 of the TAOK2 protein (p.Arg607Gln). The frequency data for this variant in the population databases is considered unreliable, as metrics indicate poor data quality at this position in the gnomAD database. This variant has not been reported in the literature in individuals affected with TAOK2-related conditions. An algorithm developed to predict the effect of missense changes on protein structure and function (PolyPhen-2) suggests that this variant is likely to be tolerated. In summary, the available evidence is currently insufficient to determine the role of this variant in disease. Therefore, it has been classified as a Variant of Uncertain Significance.

NM_016151.4(TAOK2):c.1820G>A (p.Arg607Gln)

Gene: TAOK2 (TAO kinase 2; plus strand). Cytogenetic location: 16p11.2.
Variant type: single nucleotide variant.
Coding change: c.1820G>A on transcript NM_016151.4 (MANE Select); coding-DNA position 1820, G replaced by A.
Protein change: p.Arg607Gln; replaces arginine 607 with glutamine.
Molecular consequence: missense variant.
Genome position (GRCh38, 1-based): chr16:29,985,689, G>A. VCF-style: chr16-29985689-G-A. GRCh37 (hg19) VCF-style: chr16-29997010-G-A.
Other names: c.1820G>A, p.Arg607Gln (NM_001252043.2, NM_004783.4); short protein forms R607Q.
Identifiers: ClinVar variation 4778363 (VCV004778363.1).